The following is an entry in ClinVar:

ClinVar aggregate classification (germline): Uncertain significance (1 of 4 stars; one submission).

Conditions:
Maple syrup urine disease (MSUD). Identifiers: Orphanet 511, MedGen C0024776, MeSH D008375, MONDO:0009563. Disease mechanism: loss of function.

Submission:

Labcorp Genetics (formerly Invitae), Labcorp
Classification: Uncertain significance for Maple syrup urine disease. Last evaluated: 2022-08-09. Review status: criteria provided, single submitter. Criteria: Invitae Variant Classification Sherloc (09022015). Collection method: clinical testing. Allele origin: germline.
Comment: This variant is not present in population databases (gnomAD no frequency). This variant has not been reported in the literature in individuals affected with BCKDHA-related conditions. Advanced modeling of protein sequence and biophysical properties (such as structural, functional, and spatial information, amino acid conservation, physicochemical variation, residue mobility, and thermodynamic stability) performed at Invitae indicates that this missense variant is not expected to disrupt BCKDHA protein function. In summary, the available evidence is currently insufficient to determine the role of this variant in disease. Therefore, it has been classified as a Variant of Uncertain Significance. This sequence change replaces phenylalanine, which is neutral and non-polar, with leucine, which is neutral and non-polar, at codon 394 of the BCKDHA protein (p.Phe394Leu).

NM_000709.4(BCKDHA):c.1180T>C (p.Phe394Leu)

Gene: BCKDHA (branched chain keto acid dehydrogenase E1 subunit alpha; plus strand). Cytogenetic location: 19q13.2.
Variant type: single nucleotide variant.
Coding change: c.1180T>C on transcript NM_000709.4 (MANE Select); coding-DNA position 1180, T replaced by C.
Protein change: p.Phe394Leu; replaces phenylalanine 394 with leucine.
Molecular consequence: missense variant.
Genome position (GRCh38, 1-based): chr19:41,424,450, T>C. VCF-style: chr19-41424450-T-C. GRCh37 (hg19) VCF-style: chr19-41930355-T-C.
Other names: c.1177T>C, p.Phe393Leu (NM_001164783.2); short protein forms F394L, F393L.
Identifiers: ClinVar variation 1967917 (VCV001967917.5), dbSNP rs2513462217, ClinGen allele CA406015198.